The following is an entry in ClinVar:

ClinVar aggregate classification (germline): Uncertain significance (1 of 4 stars; one submission).

Submission:

Labcorp Genetics (formerly Invitae), Labcorp
Classification: Uncertain significance. Last evaluated: 2022-04-01. Review status: criteria provided, single submitter. Criteria: Invitae Variant Classification Sherloc (09022015). Collection method: clinical testing. Allele origin: germline.
Comment: In summary, the available evidence is currently insufficient to determine the role of this variant in disease. Therefore, it has been classified as a Variant of Uncertain Significance. Algorithms developed to predict the effect of sequence changes on RNA splicing suggest that this variant may disrupt the consensus splice site. Advanced modeling of protein sequence and biophysical properties (such as structural, functional, and spatial information, amino acid conservation, physicochemical variation, residue mobility, and thermodynamic stability) performed at Invitae indicates that this missense variant is not expected to disrupt CPLANE1 protein function. This variant has not been reported in the literature in individuals affected with CPLANE1-related conditions. This variant is not present in population databases (gnomAD no frequency). This sequence change replaces glycine, which is neutral and non-polar, with arginine, which is basic and polar, at codon 124 of the CPLANE1 protein (p.Gly124Arg).

NM_001384732.1(CPLANE1):c.370G>A (p.Gly124Arg)

Gene: CPLANE1 (ciliogenesis and planar polarity effector complex subunit 1; minus strand). Cytogenetic location: 5p13.2.
Variant type: single nucleotide variant.
Coding change: c.370G>A on transcript NM_001384732.1 (MANE Select); coding-DNA position 370, G replaced by A.
Protein change: p.Gly124Arg; replaces glycine 124 with arginine.
Molecular consequence: missense variant.
Genome position (GRCh38, 1-based): chr5:37,244,575, C>T on the plus strand (G>A on the coding strand, the complement: CPLANE1 is on the minus strand). VCF-style: chr5-37244575-C-T. GRCh37 (hg19) VCF-style: chr5-37244677-C-T.
Other names: c.370G>A, p.Gly124Arg (NM_023073.4); short protein forms G124R.
Identifiers: ClinVar variation 2120322 (VCV002120322.4), dbSNP rs2548926874, ClinGen allele CA359522284.